The following is an entry in ClinVar:

ClinVar aggregate classification (germline): Uncertain significance (1 of 4 stars; one submission).

Conditions:
Singleton-Merten syndrome 1 (SGMRT1). Also called: Widened medullary cavities of bone, aortic calcification, abnormal dentition, and muscular weakness; Syndrome of widened medullary cavities of the metacarpals and phalanges, aortic calcification and abnormal dentition. Identifiers: Orphanet 85191, MedGen C4225427, MONDO:0024535, OMIM 182250.
Aicardi-Goutieres syndrome 7 (AGS7). Identifiers: Orphanet 51, MedGen C3888244, MONDO:0014367, OMIM 615846.

gnomAD v4.1: 1 of 1,614,044 alleles (0.000062%); no homozygotes.

Submission:

Labcorp Genetics (formerly Invitae), Labcorp
Classification: Uncertain significance for Aicardi-Goutieres syndrome 7; Singleton-Merten syndrome 1. Last evaluated: 2019-08-21. Review status: criteria provided, single submitter. Criteria: Invitae Variant Classification Sherloc (09022015). Collection method: clinical testing. Allele origin: germline.
Comment: In summary, the available evidence is currently insufficient to determine the role of this variant in disease. Therefore, it has been classified as a Variant of Uncertain Significance. Algorithms developed to predict the effect of missense changes on protein structure and function are either unavailable or do not agree on the potential impact of this missense change (SIFT: "Deleterious"; PolyPhen-2: "Possibly Damaging"; Align-GVGD: "Class C0"). This variant has not been reported in the literature in individuals with IFIH1-related conditions. This variant is not present in population databases (ExAC no frequency). This sequence change replaces serine with tryptophan at codon 16 of the IFIH1 protein (p.Ser16Trp). The serine residue is weakly conserved and there is a large physicochemical difference between serine and tryptophan.

NM_022168.4(IFIH1):c.47C>G (p.Ser16Trp)

Gene: IFIH1 (interferon induced with helicase C domain 1; minus strand). Cytogenetic location: 2q24.2.
Variant type: single nucleotide variant.
Coding change: c.47C>G on transcript NM_022168.4 (MANE Select); coding-DNA position 47, C replaced by G.
Protein change: p.Ser16Trp; replaces serine 16 with tryptophan.
Molecular consequence: missense variant.
Genome position (GRCh38, 1-based): chr2:162,318,261, G>C on the plus strand (C>G on the coding strand, the complement: IFIH1 is on the minus strand). VCF-style: chr2-162318261-G-C. GRCh37 (hg19) VCF-style: chr2-163174771-G-C.
Other names: short protein forms S16W.
Identifiers: ClinVar variation 939994 (VCV000939994.9), dbSNP rs372313271, ClinGen allele CA349014796.